The following is an entry in ClinVar:

NM_144643.4(SCLT1):c.1724T>A (p.Val575Asp)

Gene: SCLT1 (sodium channel and clathrin linker 1; minus strand). Cytogenetic location: 4q28.2.
Variant type: single nucleotide variant.
Coding change: c.1724T>A on transcript NM_144643.4 (MANE Select); coding-DNA position 1724, T replaced by A.
Protein change: p.Val575Asp; replaces valine 575 with aspartic acid.
Molecular consequence: missense variant. On other transcripts: 3 prime UTR variant (1).
Genome position (GRCh38, 1-based): chr4:128,936,760, A>T on the plus strand (T>A on the coding strand, the complement: SCLT1 is on the minus strand). VCF-style: chr4-128936760-A-T. GRCh37 (hg19) VCF-style: chr4-129857915-A-T.
Other names: c.*61T>A (NM_001410807.1); short protein forms V575D.
Identifiers: ClinVar variation 4988107 (VCV004988107.1).

ClinVar aggregate classification (germline): Uncertain significance (1 of 4 stars; one submission).

Conditions:
SCLT1-related disorder. Also called: SCLT1-related condition.

Submission:

PreventionGenetics, part of Exact Sciences
Classification: Uncertain significance for SCLT1-related condition. Last evaluated: 2026-09-09. Review status: criteria provided, single submitter. Criteria: ACMG Guidelines, 2015. Collection method: clinical testing. Allele origin: germline.
Comment: The SCLT1 c.1724T>A variant is predicted to result in the amino acid substitution p.Val575Asp. To our knowledge, this variant has not been reported in the literature or in a large population database (gnomAD), indicating this variant is rare. At this time, the clinical significance of this variant is uncertain due to the absence of conclusive functional and genetic evidence.